The following is an entry in ClinVar:

NM_006218.4(PIK3CA):c.2260C>A (p.Pro754Thr)

Gene: PIK3CA (phosphatidylinositol-4,5-bisphosphate 3-kinase catalytic subunit alpha; plus strand). Cytogenetic location: 3q26.32.
Variant type: single nucleotide variant.
Coding change: c.2260C>A on transcript NM_006218.4 (MANE Select); coding-DNA position 2260, C replaced by A.
Protein change: p.Pro754Thr; replaces proline 754 with threonine.
Molecular consequence: missense variant.
Genome position (GRCh38, 1-based): chr3:179,224,153, C>A. VCF-style: chr3-179224153-C-A. GRCh37 (hg19) VCF-style: chr3-178941941-C-A.
Other names: short protein forms P754T.
Identifiers: ClinVar variation 2447334 (VCV002447334.2), dbSNP rs2108416869, ClinGen allele CA355270830.

ClinVar aggregate classification (germline): Uncertain significance (1 of 4 stars; one submission).

Conditions:
Inborn genetic diseases. Identifiers: MedGen C0950123, MeSH D030342.

Submission:

Ambry Genetics
Classification: Uncertain significance for Inborn genetic diseases. Last evaluated: 2023-01-16. Review status: criteria provided, single submitter. Criteria: Ambry Variant Classification Scheme 2023. Collection method: clinical testing. Allele origin: germline.
Comment: The p.P754T variant (also known as c.2260C>A), located in coding exon 14 of the PIK3CA gene, results from a C to A substitution at nucleotide position 2260. The proline at codon 754 is replaced by threonine, an amino acid with highly similar properties. This amino acid position is conserved. In addition, this alteration is predicted to be deleterious by in silico analysis. Since supporting evidence is limited at this time, the clinical significance of this alteration remains unclear.